The following is an entry in ClinVar:

NM_000342.4(SLC4A1):c.877-7C>T

Gene: SLC4A1 (solute carrier family 4 member 1 (Diego blood group); minus strand). Cytogenetic location: 17q21.31.
Variant type: single nucleotide variant.
Coding change: c.877-7C>T on transcript NM_000342.4 (MANE Select); 7 bases into the intron before coding-DNA position 877, C replaced by T.
Molecular consequence: intron variant.
Genome position (GRCh38, 1-based): chr17:44,258,630, G>A on the plus strand (C>T on the coding strand, the complement: SLC4A1 is on the minus strand). VCF-style: chr17-44258630-G-A. GRCh37 (hg19) VCF-style: chr17-42335998-G-A.
Other names: p.?.
Identifiers: ClinVar variation 1621763 (VCV001621763.9), dbSNP rs1463572195, ClinGen allele CA626223556.

ClinVar aggregate classification (germline): Likely benign. Review status: criteria provided, multiple submitters, no conflicts (2 of 4 stars). 2 submissions from 2 submitters: Likely benign (2). Last evaluated 2025-10-07.

Allele frequency attached by ClinVar (database versions not stated): gnomAD 0.00001; TOPMed 0.00003.
gnomAD v4.1: 12 of 1,579,992 alleles (0.00076%); highest among the groups gnomAD compares: Non-Finnish European, 0.001%; no homozygotes.

Submissions (2):

Mayo Clinic Laboratories, Mayo Clinic
Classification: Likely benign. Last evaluated: 2025-10-07. Review status: criteria provided, single submitter. Criteria: ACMG Guidelines, 2015. Collection method: clinical testing. Allele origin: germline. Observed: 1 variant allele.
Comment: BP4, BP7

Labcorp Genetics (formerly Invitae), Labcorp
Classification: Likely benign. Last evaluated: 2021-02-02. Review status: criteria provided, single submitter. Criteria: Invitae Variant Classification Sherloc (09022015). Collection method: clinical testing. Allele origin: germline.